The following is an entry in ClinVar:

NM_001035.3(RYR2):c.12890T>A (p.Phe4297Tyr)

Genes: RYR2 (ryanodine receptor 2; plus strand), LOC126806068 (BRD4-independent group 4 enhancer GRCh37_chr1:237947411-237948610; plus strand). Cytogenetic location: 1q43.
Variant type: single nucleotide variant.
Coding change: c.12890T>A on transcript NM_001035.3 (MANE Select); coding-DNA position 12890, T replaced by A.
Protein change: p.Phe4297Tyr; replaces phenylalanine 4297 with tyrosine.
Molecular consequence: missense variant.
Genome position (GRCh38, 1-based): chr1:237,784,602, T>A. VCF-style: chr1-237784602-T-A. GRCh37 (hg19) VCF-style: chr1-237947902-T-A.
Other names: short protein forms F4297Y.
Identifiers: ClinVar variation 4757592 (VCV004757592.1).

ClinVar aggregate classification (germline): Uncertain significance (1 of 4 stars; one submission).

Conditions:
Cardiomyopathy (CMYO). Also called: Cardiomyopathies. Identifiers: Orphanet 167848, MedGen C0878544, MONDO:0004994, HP:0001638. Inheritance: Various modes of inheritance.

Submission:

Color Diagnostics, LLC DBA Color Health
Classification: Uncertain significance for Cardiomyopathy. Last evaluated: 2025-07-08. Review status: criteria provided, single submitter. Criteria: ACMG Guidelines, 2015. Collection method: clinical testing. Allele origin: germline.
Comment: This missense variant replaces phenylalanine with tyrosine at codon 4297 of the RYR2 protein. Computational prediction suggests that this variant may not impact protein structure and function. To our knowledge, functional studies have not been reported for this variant. This variant has not been reported in individuals affected with RYR2-related disorders in the literature. This variant has not been identified in the general population by the Genome Aggregation Database (gnomAD). The available evidence is insufficient to determine the role of this variant in disease conclusively. Therefore, this variant is classified as a Variant of Uncertain Significance.